The following is an entry in ClinVar:

ClinVar aggregate classification (germline): Conflicting classifications of pathogenicity. Review status: criteria provided, conflicting classifications (1 of 4 stars). 2 submissions from 2 submitters: Uncertain significance (1); Likely benign (1). Last evaluated 2025-08-04.

Conditions:
Inborn genetic diseases. Identifiers: MedGen C0950123, MeSH D030342.
ASH1L-related disorder. Also called: ASH1L-related condition.

gnomAD v4.1: 63 of 1,614,080 alleles (0.0039%); highest among the groups gnomAD compares: Non-Finnish European, 0.0053%; 1 homozygote.

Submissions (2):

Ambry Genetics
Classification: Likely benign for Inborn genetic diseases. Last evaluated: 2025-08-04. Review status: criteria provided, single submitter. Criteria: Ambry Variant Classification Scheme 2023. Collection method: clinical testing. Allele origin: germline.

PreventionGenetics, part of Exact Sciences
Classification: Uncertain significance for ASH1L-related condition. Last evaluated: 2025-07-01. Review status: criteria provided, single submitter. Criteria: ACMG Guidelines, 2015. Collection method: clinical testing. Allele origin: germline.
Comment: The ASH1L c.3314C>T variant is predicted to result in the amino acid substitution p.Ser1105Leu. To our knowledge, this variant has not been reported in the literature. This variant is reported in 0.0093% of alleles in individuals of European (Non-Finnish) descent in gnomAD. At this time, the clinical significance of this variant is uncertain due to the absence of conclusive functional and genetic evidence.

NM_018489.3(ASH1L):c.3314C>T (p.Ser1105Leu)

Gene: ASH1L (ASH1 like histone lysine methyltransferase; minus strand). Cytogenetic location: 1q22.
Variant type: single nucleotide variant.
Coding change: c.3314C>T on transcript NM_018489.3 (MANE Select); coding-DNA position 3314, C replaced by T.
Protein change: p.Ser1105Leu; replaces serine 1105 with leucine.
Molecular consequence: missense variant.
Genome position (GRCh38, 1-based): chr1:155,479,556, G>A on the plus strand (C>T on the coding strand, the complement: ASH1L is on the minus strand). VCF-style: chr1-155479556-G-A. GRCh37 (hg19) VCF-style: chr1-155449347-G-A.
Other names: c.3314C>T, p.Ser1105Leu (NM_001366177.2); short protein forms S1105L.
Identifiers: ClinVar variation 4153989 (VCV004153989.2).